The following is an entry in ClinVar:

NM_003470.3(USP7):c.2839T>C (p.Tyr947His)

Gene: USP7 (ubiquitin specific peptidase 7; minus strand). Cytogenetic location: 16p13.2.
Variant type: single nucleotide variant.
Coding change: c.2839T>C on transcript NM_003470.3 (MANE Select); coding-DNA position 2839, T replaced by C.
Protein change: p.Tyr947His; replaces tyrosine 947 with histidine.
Molecular consequence: missense variant. On other transcripts: non-coding transcript variant (1).
Genome position (GRCh38, 1-based): chr16:8,895,722, A>G on the plus strand (T>C on the coding strand, the complement: USP7 is on the minus strand). VCF-style: chr16-8895722-A-G. GRCh37 (hg19) VCF-style: chr16-8989579-A-G.
Other names: c.2791T>C, p.Tyr931His (NM_001286457.2); c.2542T>C, p.Tyr848His (NM_001286458.2); c.2665T>C, p.Tyr889His (NM_001321858.2); short protein forms Y848H, Y889H, Y931H, Y947H.
Identifiers: ClinVar variation 2501594 (VCV002501594.1), dbSNP rs2061670800, ClinGen allele CA394696430.

ClinVar aggregate classification (germline): Uncertain significance (1 of 4 stars; one submission).

Submission:

GeneDx
Classification: Uncertain significance. Last evaluated: 2022-10-31. Review status: criteria provided, single submitter. Criteria: GeneDx Variant Classification Process June 2021. Collection method: clinical testing. Allele origin: germline. Affected: yes.
Comment: Not observed at significant frequency in large population cohorts (gnomAD); In silico analysis supports that this missense variant does not alter protein structure/function; Has not been previously published as pathogenic or benign to our knowledge